The following is an entry in ClinVar:

ClinVar aggregate classification (germline): Pathogenic. Review status: criteria provided, multiple submitters, no conflicts (2 of 4 stars). 3 submissions from 3 submitters: Pathogenic (3). Last evaluated 2025-04-01.

Conditions:
Wilson disease (WND). Also called: Wilson's disease. Identifiers: Orphanet 905, MedGen C0019202, MONDO:0010200, OMIM 277900. Disease mechanism: loss of function.

Submissions (3):

Natera, Inc.
Classification: Pathogenic for Wilson disease. Last evaluated: 2025-04-01. Review status: criteria provided, single submitter. Criteria: Natera Variant Classification Schema (03/2026). Collection method: clinical testing. Allele origin: germline.
Comment: The c.2366C>G variant in ATP7B is a nonsense variant predicted to introduce a stop codon at amino acid 789. This variant is expected to result in nonsense mediated decay, truncation, or a dysfunctional protein product. This variant is rare in the general population with a frequency below the threshold expected for the associated phenotype(s). This variant has been observed in one or more individuals affected with the associated recessive disease, as either homozygous or compound heterozygous with a second variant (PMID: 24094725). Given the available evidence, this variant is classified as Pathogenic.

Baylor Genetics
Classification: Pathogenic for Wilson disease. Last evaluated: 2023-12-23. Review status: criteria provided, single submitter. Criteria: ACMG Guidelines, 2015. Collection method: clinical testing. Allele origin: unknown.

All of Us Research Program, National Institutes of Health
Classification: Pathogenic for Wilson disease. Last evaluated: 2023-10-02. Review status: criteria provided, single submitter. Criteria: ACMG Guidelines, 2015. Collection method: clinical testing. Allele origin: germline. Inheritance: Autosomal recessive inheritance. Observed: 1 variant allele, 1 heterozygote.
Comment: This variant changes 1 nucleotide in exon 9 of the ATP7B gene, creating a premature translation stop signal. This variant is expected to result in an absent or non-functional protein product. This variant has been observed in the homozygous state in one individual affected with autosomal recessive Wilson disease (PMID: 24094725). This variant has not been identified in the general population by the Genome Aggregation Database (gnomAD). Loss of ATP7B function is a known mechanism of disease. Based on the available evidence, this variant is classified as Pathogenic.

This study involves interpretation of variants in research participants for the purpose of population health screening. Participant phenotype was not available at the time of variant classification. Additional details can be found in publication PMID: 35346344, PMCID: PMC8962531

Literature cited by the submitters: PubMed 24094725 (cited by Natera, Inc. and All of Us Research Program, National Institutes of Health).

NM_000053.4(ATP7B):c.2366C>G (p.Ser789Ter)

Gene: ATP7B (ATPase copper transporting beta; minus strand). Cytogenetic location: 13q14.3.
Variant type: single nucleotide variant.
Coding change: c.2366C>G on transcript NM_000053.4 (MANE Select); coding-DNA position 2366, C replaced by G.
Protein change: p.Ser789Ter; replaces serine 789 with a stop codon.
Molecular consequence: nonsense. On other transcripts: intron variant (1).
Genome position (GRCh38, 1-based): chr13:51,957,597, G>C on the plus strand (C>G on the coding strand, the complement: ATP7B is on the minus strand). VCF-style: chr13-51957597-G-C. GRCh37 (hg19) VCF-style: chr13-52531733-G-C.
Other names: c.2132C>G, p.Ser711Ter (NM_001406528.1, NM_001406534.1, NM_001406538.1 and 2 more transcripts); c.2126C>G, p.Ser709Ter (NM_001406530.1); c.2114C>G, p.Ser705Ter (NM_001406531.1, NM_001406532.1, NM_001406540.1 and 1 more transcripts); c.2366C>G, p.Ser789Ter (NM_001406535.1, NM_001406511.1, NM_001406512.1 and 7 more transcripts); c.2036C>G, p.Ser679Ter (NM_001406536.1); c.2222C>G, p.Ser741Ter (NM_001406537.1, NM_001406520.1, NM_001406521.1 and 1 more transcripts); c.1937C>G, p.Ser646Ter (NM_001406539.1); c.1880C>G, p.Ser627Ter (NM_001406541.1, NM_001406542.1, NM_001406546.1 and 1 more transcripts); and 9 more; short protein forms S573*, S595*, S627*, S646*, S673*, S678*, S679*, S705*.
Identifiers: ClinVar variation 3073540 (VCV003073540.4), dbSNP rs1593722956, ClinGen allele CA388020399.